The following is an entry in ClinVar:

ClinVar aggregate classification (germline): Benign (1 of 4 stars; one submission).

Allele frequency attached by ClinVar (database versions not stated): 1000 Genomes Project 30x 0.00047; 1000 Genomes Project 0.00060; ESP Exome Variant Server 0.00094; gnomAD 0.00175; ExAC 0.00346.
gnomAD v4.1: 1,609 of 1,585,540 alleles (0.1%); highest among the groups gnomAD compares: Admixed American, 0.068%; 11 homozygotes.

Submission:

CeGaT Center for Human Genetics Tuebingen
Classification: Benign. Last evaluated: 2025-04-01. Review status: criteria provided, single submitter. Criteria: CeGaT Center For Human Genetics Tuebingen Variant Classification Criteria Version 2. Collection method: clinical testing. Allele origin: germline. Affected: yes. Observed: 4 variant alleles.
Comment: INTS1: BP4, BS1, BS2

NM_001080453.3(INTS1):c.5317G>A (p.Asp1773Asn)

Gene: INTS1 (integrator complex subunit 1; minus strand). Cytogenetic location: 7p22.3.
Variant type: single nucleotide variant.
Coding change: c.5317G>A on transcript NM_001080453.3 (MANE Select); coding-DNA position 5317, G replaced by A.
Protein change: p.Asp1773Asn; replaces aspartic acid 1773 with asparagine.
Molecular consequence: missense variant.
Genome position (GRCh38, 1-based): chr7:1,476,290, C>T on the plus strand (G>A on the coding strand, the complement: INTS1 is on the minus strand). VCF-style: chr7-1476290-C-T. GRCh37 (hg19) VCF-style: chr7-1515926-C-T.
Other names: c.1834G>A, p.Asp612Asn (NM_015674.1); short protein forms D1773N, D612N.
Identifiers: ClinVar variation 2657183 (VCV002657183.24), dbSNP rs200824374, ClinGen allele CA4118462.